The following is an entry in ClinVar:

NM_005445.4(SMC3):c.2573T>C (p.Val858Ala)

Gene: SMC3 (structural maintenance of chromosomes 3; plus strand). Cytogenetic location: 10q25.2.
Variant type: single nucleotide variant.
Coding change: c.2573T>C on transcript NM_005445.4 (MANE Select); coding-DNA position 2573, T replaced by C.
Protein change: p.Val858Ala; replaces valine 858 with alanine.
Molecular consequence: missense variant.
Genome position (GRCh38, 1-based): chr10:110,601,059, T>C. VCF-style: chr10-110601059-T-C. GRCh37 (hg19) VCF-style: chr10-112360817-T-C.
Other names: short protein forms V858A.
Identifiers: ClinVar variation 3613760 (VCV003613760.2).

ClinVar aggregate classification (germline): Uncertain significance (1 of 4 stars; one submission).

Conditions:
Cornelia de Lange syndrome 3 (CDLS3). Also called: CORNELIA DE LANGE SYNDROME 3 WITH OR WITHOUT MIDLINE BRAIN DEFECTS; SMC3-Related Cornelia de Lange Syndrome. Identifiers: Orphanet 199, MedGen C1853099, MONDO:0012555, OMIM 610759.

gnomAD v4.1: 4 of 1,613,558 alleles (0.00025%); highest among the groups gnomAD compares: Admixed American, 0.0067%; no homozygotes.

Submission:

Labcorp Genetics (formerly Invitae), Labcorp
Classification: Uncertain significance for Cornelia de Lange syndrome 3. Last evaluated: 2025-09-24. Review status: criteria provided, single submitter. Criteria: Invitae Variant Classification Sherloc (09022015). Collection method: clinical testing. Allele origin: germline.
Comment: This sequence change replaces valine, which is neutral and non-polar, with alanine, which is neutral and non-polar, at codon 858 of the SMC3 protein (p.Val858Ala). This variant is present in population databases (rs779651869, gnomAD 0.01%). This variant has not been reported in the literature in individuals affected with SMC3-related conditions. ClinVar contains an entry for this variant (Variation ID: 3613760). Invitae Evidence Modeling of protein sequence and biophysical properties (such as structural, functional, and spatial information, amino acid conservation, physicochemical variation, residue mobility, and thermodynamic stability) indicates that this missense variant is not expected to disrupt SMC3 protein function with a negative predictive value of 95%. In summary, the available evidence is currently insufficient to determine the role of this variant in disease. Therefore, it has been classified as a Variant of Uncertain Significance.